The following is an entry in ClinVar:

NM_182641.4(BPTF):c.3062A>T (p.Asp1021Val)

Gene: BPTF (bromodomain PHD finger transcription factor; plus strand). Cytogenetic location: 17q24.2.
Variant type: single nucleotide variant.
Coding change: c.3062A>T on transcript NM_182641.4 (MANE Select); coding-DNA position 3062, A replaced by T.
Protein change: p.Asp1021Val; replaces aspartic acid 1021 with valine.
Molecular consequence: missense variant.
Genome position (GRCh38, 1-based): chr17:67,910,946, A>T. VCF-style: chr17-67910946-A-T. GRCh37 (hg19) VCF-style: chr17-65907062-A-T.
Other names: c.3440A>T, p.Asp1147Val (NM_004459.7); short protein forms D1021V, D1147V.
Identifiers: ClinVar variation 1486037 (VCV001486037.6), dbSNP rs2062617083, ClinGen allele CA400725381.

ClinVar aggregate classification (germline): Uncertain significance (1 of 4 stars; one submission).

Submission:

Labcorp Genetics (formerly Invitae), Labcorp
Classification: Uncertain significance. Last evaluated: 2021-04-30. Review status: criteria provided, single submitter. Criteria: Invitae Variant Classification Sherloc (09022015). Collection method: clinical testing. Allele origin: germline.
Comment: In summary, the available evidence is currently insufficient to determine the role of this variant in disease. Therefore, it has been classified as a Variant of Uncertain Significance. Algorithms developed to predict the effect of missense changes on protein structure and function (SIFT, PolyPhen-2, Align-GVGD) all suggest that this variant is likely to be tolerated, but these predictions have not been confirmed by published functional studies and their clinical significance is uncertain. This variant has not been reported in the literature in individuals with BPTF-related conditions. This variant is not present in population databases (ExAC no frequency). This sequence change replaces aspartic acid with valine at codon 1147 of the BPTF protein (p.Asp1147Val). The aspartic acid residue is weakly conserved and there is a large physicochemical difference between aspartic acid and valine.